The following is an entry in ClinVar:

ClinVar aggregate classification (germline): Uncertain significance (1 of 4 stars; one submission).

Submission:

Labcorp Genetics (formerly Invitae), Labcorp
Classification: Uncertain significance. Last evaluated: 2022-11-15. Review status: criteria provided, single submitter. Criteria: Invitae Variant Classification Sherloc (09022015). Collection method: clinical testing. Allele origin: germline.
Comment: In summary, the available evidence is currently insufficient to determine the role of this variant in disease. Therefore, it has been classified as a Variant of Uncertain Significance. Algorithms developed to predict the effect of sequence changes on RNA splicing suggest that this variant may disrupt the consensus splice site. This variant has not been reported in the literature in individuals affected with RPS6KC1-related conditions. This variant is present in population databases (no rsID available, gnomAD 0.007%). This sequence change affects an acceptor splice site in intron 3 of the RPS6KC1 gene. It is expected to disrupt RNA splicing. Variants that disrupt the donor or acceptor splice site typically lead to a loss of protein function (PMID: 16199547), however the current clinical and genetic evidence is not sufficient to establish whether loss-of-function variants in RPS6KC1 cause disease.

Literature cited by the submitters: PubMed 16199547.

NM_012424.6(RPS6KC1):c.263-2A>G

Gene: RPS6KC1 (ribosomal protein S6 kinase C1; plus strand). Cytogenetic location: 1q32.3.
Variant type: single nucleotide variant.
Coding change: c.263-2A>G on transcript NM_012424.6 (MANE Select); the canonical splice acceptor site of the intron before coding-DNA position 263, A replaced by G.
Molecular consequence: splice acceptor variant.
Genome position (GRCh38, 1-based): chr1:213,104,452, A>G. VCF-style: chr1-213104452-A-G. GRCh37 (hg19) VCF-style: chr1-213277794-A-G.
Other names: c.-480-2A>G (NM_001349651.2); c.-1023-2A>G (NM_001349660.2); c.-359-2A>G (NM_001349650.2, NM_001349654.2, NM_001349653.2 and 1 more transcripts); c.-1030-2A>G (NM_001349669.2, NM_001349668.2); c.-281-2A>G (NM_001349649.2, NM_001287219.3, NM_001349648.2 and 1 more transcripts); c.-952-2A>G (NM_001349666.2, NM_001287220.3, NM_001349667.2 and 1 more transcripts); c.-859-2A>G (NM_001349664.2, NM_001349670.2); c.-266-2A>G (NM_001349658.2); and 9 more.
Identifiers: ClinVar variation 1905468 (VCV001905468.5), dbSNP rs1203151155, ClinGen allele CA344805798.